The following is an entry in ClinVar:

GRCh37/hg19 2q13(chr2:111369264-113142794)x1

Genes: RGPD8 (RANBP2 like and GRIP domain containing 8; minus strand), TMEM87B (transmembrane protein 87B; plus strand), ZC3H6 (zinc finger CCCH-type containing 6; plus strand), ZC3H8 (zinc finger CCCH-type containing 8; minus strand), ANAPC1 (anaphase promoting complex subunit 1; minus strand) and 5 more. Cytogenetic location: 2q13.
Variant type: copy number loss.
Change: copy number 1 (one copy instead of two) of chr2:111,369,264-113,142,794 (1.77 Mb, GRCh37 coordinates, 1-based), cytogenetic band 2q13.
Identifiers: ClinVar variation 1807763 (VCV001807763.2).

ClinVar aggregate classification (germline): Pathogenic (1 of 4 stars; one submission).

Submission:

Quest Diagnostics Nichols Institute San Juan Capistrano
Classification: Pathogenic. Last evaluated: 2024-03-29. Review status: criteria provided, single submitter. Criteria: ACMG/ClinGen CNV Guidelines, 2019. Collection method: clinical testing. Allele origin: unknown.
Comment: This loss overlaps the 2q13 recurrent (LCR A-D) region (ISCA-37496), which has been associated with variable phenotypes (Aarabi 2022, Cooper 2011, Digilio 2022, Wolfe 2018, Riley 2015, Hladilkova 2015, Russell 2014, Yu 2012). This deletion is significantly enriched in developmental delay cases compared to controls (Coe 2014). Therefore, this copy number variant (CNV) is classified as pathogenic. References: Aarabi et al., Psychiatr Genet. 2022 Oct 1;32(5):171-177. PMID: 35837682; Coe et al., Nat Genet. 2014 Oct;46(10):1063-71. PMID: 25217958; Cooper et al., Nat Genet. 2011 Aug 14;43(9):838-46. PMID: 21841781; Digilio et al., Eur J Med Genet. 2022 Jan;65(1):104381. PMID: 34763108; Hladilkova et al., Mol Cytogenet. 2015 Jul 31;8:57. PMID: 26236398; Riley et al., Am J Med Genet A. 2015 Nov;167A(11):2664-73. PMID: 26227573; Russell et al., Hum Mol Genet. 2014 Aug 15;23(16):4272-84. PMID: 24694933; Wolfe et al., Am J Med Genet B Neuropsychiatr Genet. 2018 Jun;177(4):397-405. PMID: 29603867; Yu et al., Clin Genet. 2012 Mar;81(3):257-64. PMID: 21255006